The following is an entry in ClinVar:

NM_014251.3(SLC25A13):c.674C>T (p.Ser225Leu)

Gene: SLC25A13 (solute carrier family 25 member 13; minus strand). Cytogenetic location: 7q21.3.
Variant type: single nucleotide variant.
Coding change: c.674C>T on transcript NM_014251.3 (MANE Select); coding-DNA position 674, C replaced by T.
Protein change: p.Ser225Leu; replaces serine 225 with leucine.
Molecular consequence: missense variant. On other transcripts: non-coding transcript variant (1).
Genome position (GRCh38, 1-based): chr7:96,191,189, G>A on the plus strand (C>T on the coding strand, the complement: SLC25A13 is on the minus strand). VCF-style: chr7-96191189-G-A. GRCh37 (hg19) VCF-style: chr7-95820501-G-A.
Other names: c.674C>T, p.Ser225Leu (NM_001160210.2); short protein forms S225L.
Identifiers: ClinVar variation 2577097 (VCV002577097.2), dbSNP rs80338719, ClinGen allele CA4353197.

ClinVar aggregate classification (germline): Uncertain significance. Review status: criteria provided, multiple submitters, no conflicts (2 of 4 stars). 2 submissions from 2 submitters: Uncertain significance (2). Last evaluated 2023-07-27.

Conditions:
Neonatal intrahepatic cholestasis due to citrin deficiency (CDNI). Also called: Neonatal-onset citrullinemia type II; Neonatal-onset citrullinemia type 2; Neonatal Intrahepatic Cholestasis Caused by Citrin Deficiency (NICCD); CITRIN DEFICIENCY, NEONATAL OR INFANTILE ONSET. Identifiers: Orphanet 247598, MedGen C1853942, MONDO:0011601, OMIM 605814.
Citrullinemia, type II, adult-onset (CDAA). Also called: CITRIN DEFICIENCY, ADOLESCENT OR ADULT ONSET. Identifiers: Orphanet 247585, MedGen CN295299, MONDO:0011326, OMIM 603471.

Allele frequency attached by ClinVar (database versions not stated): gnomAD 0.00004.
gnomAD v4.1: 42 of 1,613,858 alleles (0.0026%); highest among the groups gnomAD compares: African/African-American, 0.0027%; no homozygotes.

Submissions (2):

Women's Health and Genetics/Laboratory Corporation of America, LabCorp
Classification: Uncertain significance. Last evaluated: 2023-07-27. Review status: criteria provided, single submitter. Criteria: LabCorp Variant Classification Summary - May 2015. Collection method: clinical testing. Allele origin: germline.
Comment: Variant summary: SLC25A13 c.674C>T (p.Ser225Leu) results in a non-conservative amino acid change in the encoded protein sequence. Four of five in-silico tools predict a damaging effect of the variant on protein function. The variant allele was found at a frequency of 2.8e-05 in 251160 control chromosomes. The available data on variant occurrences in the general population are insufficient to allow any conclusion about variant significance. c.674C>T has been reported in the literature in at least one individual affected with suspected pediatric cholestasis (e.g. Wang_2020). These report(s) do not provide unequivocal conclusions about association of the variant with Citrullinemia Type II. To our knowledge, no experimental evidence demonstrating an impact on protein function has been reported. The following publication has been ascertained in the context of this evaluation (PMID: 31450232). No submitters have cited clinical-significance assessments for this variant to ClinVar after 2014. Based on the evidence outlined above, the variant was classified as uncertain significance.

Department of Pathology and Laboratory Medicine, Sinai Health System
Classification: Uncertain significance for Citrullinemia, type II, adult-onset; Neonatal intrahepatic cholestasis due to citrin deficiency. Last evaluated: 2021-07-30. Review status: criteria provided, single submitter. Criteria: ACMG Guidelines, 2015. Collection method: research. Allele origin: germline.

Literature cited by the submitters: PubMed 31450232 (cited by Women's Health and Genetics/Laboratory Corporation of America, LabCorp).